The following is an entry in ClinVar:

ClinVar aggregate classification (germline): Uncertain significance. Review status: criteria provided, multiple submitters, no conflicts (2 of 4 stars). 4 submissions from 4 submitters: Uncertain significance (4). Last evaluated 2026-08-24.

Conditions:
USH1C-related disorder. Also called: USH1C-related condition.
Inborn genetic diseases. Identifiers: MedGen C0950123, MeSH D030342.

Allele frequency attached by ClinVar (database versions not stated): TOPMed 0.00003.
gnomAD v4.1: 25 of 1,613,920 alleles (0.0015%); highest among the groups gnomAD compares: Admixed American, 0.033%; 1 homozygote.

Submissions (4):

PreventionGenetics, part of Exact Sciences
Classification: Uncertain significance for USH1C-related condition. Last evaluated: 2026-08-24. Review status: criteria provided, single submitter. Criteria: ACMG Guidelines, 2015. Collection method: clinical testing. Allele origin: germline.
Comment: The USH1C c.2295C>G variant is predicted to result in the amino acid substitution p.Asp765Glu. To our knowledge, this variant has not been reported in the literature. This variant is reported in 0.061% of alleles in individuals of Latino descent in gnomAD. At this time, the clinical significance of this variant is uncertain due to the absence of conclusive functional and genetic evidence.

Ambry Genetics
Classification: Uncertain significance for Inborn genetic diseases. Last evaluated: 2024-06-26. Review status: criteria provided, single submitter. Criteria: Ambry Variant Classification Scheme 2023. Collection method: clinical testing. Allele origin: germline.

GeneDx
Classification: Uncertain significance. Last evaluated: 2024-02-15. Review status: criteria provided, single submitter. Criteria: GeneDx Variant Classification Process June 2021. Collection method: clinical testing. Allele origin: germline. Affected: yes.
Comment: In silico analysis supports that this missense variant does not alter protein structure/function; Has not been previously published as pathogenic or benign to our knowledge

Labcorp Genetics (formerly Invitae), Labcorp
Classification: Uncertain significance. Last evaluated: 2022-10-17. Review status: criteria provided, single submitter. Criteria: Invitae Variant Classification Sherloc (09022015). Collection method: clinical testing. Allele origin: germline.
Comment: This sequence change replaces aspartic acid, which is acidic and polar, with glutamic acid, which is acidic and polar, at codon 465 of the USH1C protein (p.Asp465Glu). This variant is present in population databases (rs781240730, gnomAD 0.05%), including at least one homozygous and/or hemizygous individual. This variant has not been reported in the literature in individuals affected with USH1C-related conditions. Algorithms developed to predict the effect of missense changes on protein structure and function are either unavailable or do not agree on the potential impact of this missense change (SIFT: "Deleterious"; PolyPhen-2: "Probably Damaging"; Align-GVGD: "Class C0"). In summary, the available evidence is currently insufficient to determine the role of this variant in disease. Therefore, it has been classified as a Variant of Uncertain Significance.

NM_153676.4(USH1C):c.2295C>G (p.Asp765Glu)

Gene: USH1C (USH1 protein network component harmonin; minus strand). Cytogenetic location: 11p15.1.
Variant type: single nucleotide variant.
Coding change: c.2295C>G on transcript NM_153676.4 (MANE Select); coding-DNA position 2295, C replaced by G.
Protein change: p.Asp765Glu; replaces aspartic acid 765 with glutamic acid.
Molecular consequence: missense variant. On other transcripts: non-coding transcript variant (1).
Genome position (GRCh38, 1-based): chr11:17,501,136, G>C on the plus strand (C>G on the coding strand, the complement: USH1C is on the minus strand). VCF-style: chr11-17501136-G-C. GRCh37 (hg19) VCF-style: chr11-17522683-G-C.
Other names: c.2295C>G (NM_153676.3); c.1395C>G (NM_005709.3); c.1338C>G, p.Asp446Glu (NM_001297764.2); c.1395C>G, p.Asp465Glu (NM_005709.4); short protein forms D446E, D465E, D765E.
Identifiers: ClinVar variation 2142878 (VCV002142878.4), dbSNP rs781240730, ClinGen allele CA5904224.